The following is an entry in ClinVar:

NM_001174150.2(ARL13B):c.614C>A (p.Thr205Lys)

Gene: ARL13B (ARF like GTPase 13B; plus strand). Cytogenetic location: 3q11.2.
Variant type: single nucleotide variant.
Coding change: c.614C>A on transcript NM_001174150.2 (MANE Select); coding-DNA position 614, C replaced by A.
Protein change: p.Thr205Lys; replaces threonine 205 with lysine.
Molecular consequence: missense variant. On other transcripts: non-coding transcript variant (2).
Genome position (GRCh38, 1-based): chr3:94,036,679, C>A. VCF-style: chr3-94036679-C-A. GRCh37 (hg19) VCF-style: chr3-93755523-C-A.
Other names: c.305C>A, p.Thr102Lys (NM_001174151.2); c.569C>A, p.Thr190Lys (NM_001321328.2); c.293C>A, p.Thr98Lys (NM_144996.4); c.614C>A, p.Thr205Lys (NM_182896.3); short protein forms T205K, T98K, T102K, T190K.
Identifiers: ClinVar variation 837113 (VCV000837113.6), dbSNP rs150449935, ClinGen allele CA2504102.
Genomic context (GRCh38, chr3:94,036,679, plus strand): 5'-GGCTGCTACATGTTATTGCAAGAGACTTTGATGCCTTAAATGAACGCATCCAAAAAGAGA[C>A]AACAGAGCAGCGTGCTCTTGAGGAACAAGAGAAACAAGAAAGAGCTGAACGAGTGCGAAA-3'
Protein context (NP_001167621.1, residues 195-215): DALNERIQKE[Thr205Lys]TEQRALEEQE

ClinVar aggregate classification (germline): Uncertain significance. Review status: criteria provided, multiple submitters, no conflicts (2 of 4 stars). 2 submissions from 2 submitters: Uncertain significance (2). Last evaluated 2024-07-19.

Conditions:
Joubert syndrome 8 (JBTS8). Identifiers: Orphanet 475, MedGen C2676771, MONDO:0012855, OMIM 612291.
Inborn genetic diseases. Identifiers: MedGen C0950123, MeSH D030342.

Allele frequency attached by ClinVar (database versions not stated): TOPMed below 0.00001; gnomAD 0.00001; ExAC 0.00005; gnomAD exomes 0.00005; ESP Exome Variant Server 0.00008.
gnomAD v4.1: 42 of 1,613,774 alleles (0.0026%); highest among the groups gnomAD compares: South Asian, 0.041%; 1 homozygote.

Submissions (2):

Labcorp Genetics (formerly Invitae), Labcorp
Classification: Uncertain significance for Joubert syndrome 8. Last evaluated: 2024-07-19. Review status: criteria provided, single submitter. Criteria: Invitae Variant Classification Sherloc (09022015). Collection method: clinical testing. Allele origin: germline.
Comment: This sequence change replaces threonine, which is neutral and polar, with lysine, which is basic and polar, at codon 205 of the ARL13B protein (p.Thr205Lys). This variant is present in population databases (rs150449935, gnomAD 0.04%). This variant has not been reported in the literature in individuals affected with ARL13B-related conditions. ClinVar contains an entry for this variant (Variation ID: 837113). Advanced modeling of protein sequence and biophysical properties (such as structural, functional, and spatial information, amino acid conservation, physicochemical variation, residue mobility, and thermodynamic stability) has been performed at Invitae for this missense variant, however the output from this modeling did not meet the statistical confidence thresholds required to predict the impact of this variant on ARL13B protein function. In summary, the available evidence is currently insufficient to determine the role of this variant in disease. Therefore, it has been classified as a Variant of Uncertain Significance.

Ambry Genetics
Classification: Uncertain significance for Inborn genetic diseases. Last evaluated: 2021-08-13. Review status: criteria provided, single submitter. Criteria: Ambry Variant Classification Scheme 2023. Collection method: clinical testing. Allele origin: germline.